The following is an entry in ClinVar:

NM_001261826.3(AP3D1):c.2329G>A (p.Val777Ile)

Gene: AP3D1 (adaptor related protein complex 3 subunit delta 1; minus strand). Cytogenetic location: 19p13.3.
Variant type: single nucleotide variant.
Coding change: c.2329G>A on transcript NM_001261826.3 (MANE Select); coding-DNA position 2329, G replaced by A.
Protein change: p.Val777Ile; replaces valine 777 with isoleucine.
Molecular consequence: missense variant.
Genome position (GRCh38, 1-based): chr19:2,115,239, C>T on the plus strand (G>A on the coding strand, the complement: AP3D1 is on the minus strand). VCF-style: chr19-2115239-C-T. GRCh37 (hg19) VCF-style: chr19-2115238-C-T.
Other names: p.Val777Ile; c.2329G>A, p.Val777Ile (NM_001374799.1, NM_003938.8); short protein forms V777I.
Identifiers: ClinVar variation 1677139 (VCV001677139.7), dbSNP rs775564429, ClinGen allele CA9058921.

ClinVar aggregate classification (germline): Uncertain significance. Review status: criteria provided, multiple submitters, no conflicts (2 of 4 stars). 3 submissions from 3 submitters: Uncertain significance (3). Last evaluated 2025-11-15.

Allele frequency attached by ClinVar (database versions not stated): ExAC 0.00001; gnomAD 0.00001; gnomAD exomes 0.00001 and 0.00003; TOPMed 0.00003.
gnomAD v4.1: 48 of 1,613,240 alleles (0.003%); highest among the groups gnomAD compares: Middle Eastern, 0.016%; no homozygotes.

Submissions (3):

Mayo Clinic Laboratories, Mayo Clinic
Classification: Uncertain significance. Last evaluated: 2025-11-15. Review status: criteria provided, single submitter. Criteria: ACMG Guidelines, 2015. Collection method: clinical testing. Allele origin: germline. Observed: 1 variant allele.
Comment: BP4_moderate

Labcorp Genetics (formerly Invitae), Labcorp
Classification: Uncertain significance. Last evaluated: 2025-10-18. Review status: criteria provided, single submitter. Criteria: Invitae Variant Classification Sherloc (09022015). Collection method: clinical testing. Allele origin: germline.
Comment: This sequence change replaces valine, which is neutral and non-polar, with isoleucine, which is neutral and non-polar, at codon 777 of the AP3D1 protein (p.Val777Ile). This variant is present in population databases (rs775564429, gnomAD 0.002%). This variant has not been reported in the literature in individuals affected with AP3D1-related conditions. ClinVar contains an entry for this variant (Variation ID: 1677139). An algorithm developed to predict the effect of missense changes on protein structure and function outputs the following: PolyPhen-2: "Benign". The isoleucine amino acid residue is found in multiple mammalian species, which suggests that this missense change does not adversely affect protein function. In summary, the available evidence is currently insufficient to determine the role of this variant in disease. Therefore, it has been classified as a Variant of Uncertain Significance.

Women's Health and Genetics/Laboratory Corporation of America, LabCorp
Classification: Uncertain significance. Last evaluated: 2022-03-18. Review status: criteria provided, single submitter. Criteria: LabCorp Variant Classification Summary - May 2015. Collection method: clinical testing. Allele origin: germline.